The following is an entry in ClinVar:

NM_177438.3(DICER1):c.3637C>G (p.Pro1213Ala)

Gene: DICER1 (dicer 1, ribonuclease III; minus strand). Cytogenetic location: 14q32.13.
Variant type: single nucleotide variant.
Coding change: c.3637C>G on transcript NM_177438.3 (MANE Select); coding-DNA position 3637, C replaced by G.
Protein change: p.Pro1213Ala; replaces proline 1213 with alanine.
Molecular consequence: missense variant.
Genome position (GRCh38, 1-based): chr14:95,103,759, G>C on the plus strand (C>G on the coding strand, the complement: DICER1 is on the minus strand). VCF-style: chr14-95103759-G-C. GRCh37 (hg19) VCF-style: chr14-95570096-G-C.
Other names: c.3637C>G, p.Pro1213Ala (NM_001195573.1, NM_001271282.3, NM_001291628.2 and 1 more transcripts); short protein forms P1213A.
Identifiers: ClinVar variation 477152 (VCV000477152.18), dbSNP rs965289045, ClinGen allele CA265906047.

ClinVar aggregate classification (germline): Uncertain significance. Review status: criteria provided, multiple submitters, no conflicts (2 of 4 stars). 5 submissions from 5 submitters: Uncertain significance (5). Last evaluated 2026-01-05.

Conditions:
Rhabdomyosarcoma, embryonal, 2 (RMSE2). Identifiers: MedGen C1867234, MONDO:0859046, OMIM 180295.
Global developmental delay - lung cysts - overgrowth - Wilms tumor syndrome. Also called: GLOW Syndrome; GLOBAL DEVELOPMENTAL DELAY, LUNG CYSTS, OVERGROWTH, AND WILMS TUMOR. Identifiers: Orphanet 404476, MedGen C4748924, MONDO:0018445, OMIM 618272.
Euthyroid goiter (MNG1). Also called: Goiter, multinodular 1, with or without Sertoli-Leydig cell tumors; GOITER, NONTOXIC, WITH INTRATHYROIDAL CALCIFICATION; MULTINODULAR GOITER, ADOLESCENT; SIMPLE GOITER. Identifiers: Orphanet 276399, MedGen C0302859, MONDO:0007681, OMIM 138800, HP:0009798.
Pleuropulmonary blastoma (PPB). Identifiers: Orphanet 64742, MedGen C1266144, MONDO:0011014, OMIM 601200, HP:0100528.
DICER1-related tumor predisposition. Also called: DICER1-related pleuropulmonary blastoma cancer predisposition syndrome; DICER1 syndrome. Identifiers: Orphanet 284343, MedGen C3839822, MONDO:0100216.
Hereditary cancer-predisposing syndrome. Also called: Tumor predisposition; Neoplastic Syndromes, Hereditary; Hereditary Cancer Syndrome; Hereditary neoplastic syndrome. Identifiers: Orphanet 140162, MedGen C0027672, MeSH D009386, MONDO:0015356.

Allele frequency attached by ClinVar (database versions not stated): TOPMed below 0.00001; gnomAD 0.00001; gnomAD exomes 0.00001.
gnomAD v4.1: 6 of 1,614,072 alleles (0.00037%); highest among the groups gnomAD compares: Non-Finnish European, 0.00051%; no homozygotes.

Submissions (5):

Labcorp Genetics (formerly Invitae), Labcorp
Classification: Uncertain significance for DICER1-related tumor predisposition. Last evaluated: 2026-01-05. Review status: criteria provided, single submitter. Criteria: Invitae Variant Classification Sherloc (09022015). Collection method: clinical testing. Allele origin: germline.
Comment: This sequence change replaces proline, which is neutral and non-polar, with alanine, which is neutral and non-polar, at codon 1213 of the DICER1 protein (p.Pro1213Ala). This variant is present in population databases (no rsID available, gnomAD 0.002%). This variant has not been reported in the literature in individuals affected with DICER1-related conditions. ClinVar contains an entry for this variant (Variation ID: 477152). Invitae Evidence Modeling of protein sequence and biophysical properties (such as structural, functional, and spatial information, amino acid conservation, physicochemical variation, residue mobility, and thermodynamic stability) indicates that this missense variant is not expected to disrupt DICER1 protein function with a negative predictive value of 95%. In summary, the available evidence is currently insufficient to determine the role of this variant in disease. Therefore, it has been classified as a Variant of Uncertain Significance.

Ambry Genetics
Classification: Uncertain significance for Hereditary cancer-predisposing syndrome. Last evaluated: 2025-03-28. Review status: criteria provided, single submitter. Criteria: Ambry Variant Classification Scheme 2023. Collection method: clinical testing. Allele origin: germline.
Comment: The p.P1213A variant (also known as c.3637C>G), located in coding exon 20 of the DICER1 gene, results from a C to G substitution at nucleotide position 3637. The proline at codon 1213 is replaced by alanine, an amino acid with highly similar properties. This amino acid position is well conserved in available vertebrate species. In addition, the in silico prediction for this alteration is inconclusive. Since supporting evidence is limited at this time, the clinical significance of this alteration remains unclear.

Baylor Genetics
Classification: Uncertain significance for Global developmental delay - lung cysts - overgrowth - Wilms tumor syndrome. Last evaluated: 2024-01-17. Review status: criteria provided, single submitter. Criteria: ACMG Guidelines, 2015. Collection method: clinical testing. Allele origin: unknown.

Fulgent Genetics
Classification: Uncertain significance for Euthyroid goiter; Rhabdomyosarcoma, embryonal, 2; Pleuropulmonary blastoma; Global developmental delay - lung cysts - overgrowth - Wilms tumor syndrome. Last evaluated: 2024-01-11. Review status: criteria provided, single submitter. Criteria: ACMG Guidelines, 2015. Collection method: clinical testing. Allele origin: germline.

GeneDx
Classification: Uncertain significance. Last evaluated: 2022-11-21. Review status: criteria provided, single submitter. Criteria: GeneDx Variant Classification Process June 2021. Collection method: clinical testing. Allele origin: germline. Affected: yes.
Comment: Not observed at significant frequency in large population cohorts (gnomAD); In silico analysis supports that this missense variant does not alter protein structure/function; Has not been previously published as pathogenic or benign to our knowledge